The following is an entry in ClinVar:

NM_000257.4(MYH7):c.797-7T>C

Gene: MYH7 (myosin heavy chain 7; minus strand). Cytogenetic location: 14q11.2.
Variant type: single nucleotide variant.
Coding change: c.797-7T>C on transcript NM_000257.4 (MANE Select); 7 bases into the intron before coding-DNA position 797, T replaced by C.
Molecular consequence: intron variant.
Genome position (GRCh38, 1-based): chr14:23,431,006, A>G on the plus strand (T>C on the coding strand, the complement: MYH7 is on the minus strand). VCF-style: chr14-23431006-A-G. GRCh37 (hg19) VCF-style: chr14-23900215-A-G.
Other names: c.797-7T>C (NM_001407004.1).
Identifiers: ClinVar variation 3772422 (VCV003772422.13).

ClinVar aggregate classification (germline): Uncertain significance (1 of 4 stars; one submission).

Submission:

CeGaT Center for Human Genetics Tuebingen
Classification: Uncertain significance. Last evaluated: 2025-02-01. Review status: criteria provided, single submitter. Criteria: CeGaT Center For Human Genetics Tuebingen Variant Classification Criteria Version 2. Collection method: clinical testing. Allele origin: germline. Affected: yes. Observed: 1 variant allele.
Comment: MYH7: PM2, BP4